The following is an entry in ClinVar:

ClinVar aggregate classification (germline): Benign (1 of 4 stars; one submission).

Conditions:
Immunodeficiency 67. Also called: Immunodeficiency due to interleukin-1 receptor-associated kinase-4 deficiency. Identifiers: Orphanet 70592, MedGen C1843256, MONDO:0011888, OMIM 607676.

Allele frequency attached by ClinVar (database versions not stated): gnomAD 0.01167 and 0.01239; TOPMed 0.01271; 1000 Genomes Project 30x 0.01437; 1000 Genomes Project 0.01438.

Submission:

Illumina Laboratory Services, Illumina
Classification: Benign for Immunodeficiency 67. Last evaluated: 2018-01-13. Review status: criteria provided, single submitter. Criteria: ICSL Variant Classification Criteria 13 December 2019. Collection method: clinical testing. Allele origin: germline.
Comment: This variant was observed in the ICSL laboratory as part of a predisposition screen in an ostensibly healthy population. It had not been previously curated by ICSL or reported in the Human Gene Mutation Database (HGMD: prior to June 1st, 2018), and was therefore a candidate for classification through an automated scoring system. Utilizing variant allele frequency, disease prevalence and penetrance estimates, and inheritance mode, an automated score was calculated to assess if this variant is too frequent to cause the disease. Based on the score and internal cut-off values, a variant classified as benign is not then subjected to further curation. The score for this variant resulted in a classification of benign for this disease.

NM_016123.4(IRAK4):c.*2761G>A

Gene: IRAK4 (interleukin 1 receptor associated kinase 4; plus strand). Cytogenetic location: 12q12.
Variant type: single nucleotide variant.
Coding change: c.*2761G>A on transcript NM_016123.4 (MANE Select); 2761 bases downstream of the stop codon, G replaced by A.
Molecular consequence: 3 prime UTR variant.
Genome position (GRCh38, 1-based): chr12:43,789,476, G>A. VCF-style: chr12-43789476-G-A. GRCh37 (hg19) VCF-style: chr12-44183279-G-A.
Other names: c.*2761G>A (NM_001114182.3, NM_001145256.2, NM_001145257.2 and 9 more transcripts).
Identifiers: ClinVar variation 308770 (VCV000308770.5), dbSNP rs4251563, ClinGen allele CA10641257.
Genomic context (GRCh38, chr12:43,789,476, plus strand): 5'-AAACCTTTTTTCTTTATAAATTACCCAGCCTCAGTTATTCCTTTATAGTGATGCAAAACG[G>A]GCTAACTATATAAATTTGTAATTTTTAAGTTATAGATTGTTTTTATTAAACACTTATGAA-3'